The following is an entry in ClinVar:

ClinVar aggregate classification (germline): Uncertain significance (1 of 4 stars; one submission).

Conditions:
Vici syndrome (VICIS). Identifiers: Orphanet 1493, MedGen C1855772, MONDO:0009452, OMIM 242840.

Submission:

Labcorp Genetics (formerly Invitae), Labcorp
Classification: Uncertain significance for Vici syndrome. Last evaluated: 2022-05-13. Review status: criteria provided, single submitter. Criteria: Invitae Variant Classification Sherloc (09022015). Collection method: clinical testing. Allele origin: germline.
Comment: This sequence change creates a premature translational stop signal (p.Lys2558*) in the EPG5 gene. While this is not anticipated to result in nonsense mediated decay, it is expected to disrupt the last 22 amino acid(s) of the EPG5 protein. This variant is not present in population databases (gnomAD no frequency). This variant has not been reported in the literature in individuals affected with EPG5-related conditions. Experimental studies and prediction algorithms are not available or were not evaluated, and the functional significance of this variant is currently unknown. This variant disrupts a region of the EPG5 protein in which other variant(s) (p.Arg2579Gln) have been observed in individuals with EPG5-related conditions (PMID: 31625567). This suggests that this is a clinically significant region of the protein, and that variants that disrupt it are likely to be disease-causing. In summary, the available evidence is currently insufficient to determine the role of this variant in disease. Therefore, it has been classified as a Variant of Uncertain Significance.

Literature cited by the submitters: PubMed 31625567.

NM_020964.3(EPG5):c.7672A>T (p.Lys2558Ter)

Gene: EPG5 (ectopic P-granules 5 autophagy tethering factor; minus strand). Cytogenetic location: 18q12.3.
Variant type: single nucleotide variant.
Coding change: c.7672A>T on transcript NM_020964.3 (MANE Select); coding-DNA position 7672, A replaced by T.
Protein change: p.Lys2558Ter; replaces lysine 2558 with a stop codon.
Molecular consequence: nonsense.
Genome position (GRCh38, 1-based): chr18:45,852,535, T>A on the plus strand (A>T on the coding strand, the complement: EPG5 is on the minus strand). VCF-style: chr18-45852535-T-A. GRCh37 (hg19) VCF-style: chr18-43432500-T-A.
Other names: c.7669A>T, p.Lys2557Ter (NM_001410859.1); short protein forms K2557*, K2558*.
Identifiers: ClinVar variation 1993737 (VCV001993737.4), dbSNP rs2511417599, ClinGen allele CA402335238.